The following is an entry in ClinVar:

NM_024741.3(ZNF408):c.1307C>T (p.Pro436Leu)

Gene: ZNF408 (zinc finger protein 408; plus strand). Cytogenetic location: 11p11.2.
Variant type: single nucleotide variant.
Coding change: c.1307C>T on transcript NM_024741.3 (MANE Select); coding-DNA position 1307, C replaced by T.
Protein change: p.Pro436Leu; replaces proline 436 with leucine.
Molecular consequence: missense variant.
Genome position (GRCh38, 1-based): chr11:46,705,007, C>T. VCF-style: chr11-46705007-C-T. GRCh37 (hg19) VCF-style: chr11-46726557-C-T.
Other names: c.1283C>T, p.Pro428Leu (NM_001184751.2); short protein forms P436L, P428L.
Identifiers: ClinVar variation 841370 (VCV000841370.8), dbSNP rs369908586, ClinGen allele CA5966536.

ClinVar aggregate classification (germline): Uncertain significance. Review status: criteria provided, multiple submitters, no conflicts (2 of 4 stars). 2 submissions from 2 submitters: Uncertain significance (2). Last evaluated 2025-06-24.

Allele frequency attached by ClinVar (database versions not stated): ExAC 0.00004; gnomAD 0.00005 and 0.00006; gnomAD exomes 0.00005 and 0.00008; TOPMed 0.00005; ESP Exome Variant Server 0.00008.
gnomAD v4.1: 119 of 1,613,300 alleles (0.0074%); highest among the groups gnomAD compares: Non-Finnish European, 0.0093%; no homozygotes.

Submissions (2):

Labcorp Genetics (formerly Invitae), Labcorp
Classification: Uncertain significance. Last evaluated: 2025-06-24. Review status: criteria provided, single submitter. Criteria: Invitae Variant Classification Sherloc (09022015). Collection method: clinical testing. Allele origin: germline.
Comment: This sequence change replaces proline, which is neutral and non-polar, with leucine, which is neutral and non-polar, at codon 436 of the ZNF408 protein (p.Pro436Leu). This variant is present in population databases (rs369908586, gnomAD 0.009%). This missense change has been observed in individual(s) with exudative vitreoretinopathy (PMID: 32530348). ClinVar contains an entry for this variant (Variation ID: 841370). An algorithm developed to predict the effect of missense changes on protein structure and function (PolyPhen-2) suggests that this variant is likely to be disruptive. In summary, the available evidence is currently insufficient to determine the role of this variant in disease. Therefore, it has been classified as a Variant of Uncertain Significance.

Blueprint Genetics
Classification: Uncertain significance. Last evaluated: 2024-11-11. Review status: criteria provided, single submitter. Criteria: ACMG Guidelines, 2015. Collection method: clinical testing. Allele origin: germline.

Literature cited by the submitters: PubMed 32530348 (cited by Labcorp Genetics (formerly Invitae), Labcorp).